The following is an entry in ClinVar:

NM_002972.4(SBF1):c.3890G>A (p.Arg1297Gln)

Gene: SBF1 (SET binding factor 1; minus strand). Cytogenetic location: 22q13.33.
Variant type: single nucleotide variant.
Coding change: c.3890G>A on transcript NM_002972.4 (MANE Select); coding-DNA position 3890, G replaced by A.
Protein change: p.Arg1297Gln; replaces arginine 1297 with glutamine.
Molecular consequence: missense variant. On other transcripts: intron variant (1).
Genome position (GRCh38, 1-based): chr22:50,457,048, C>T on the plus strand (G>A on the coding strand, the complement: SBF1 is on the minus strand). VCF-style: chr22-50457048-C-T. GRCh37 (hg19) VCF-style: chr22-50895477-C-T.
Other names: c.3830-375G>A (NM_001365819.1); c.3890G>A (NM_002972.2); short protein forms R1297Q.
Identifiers: ClinVar variation 1374959 (VCV001374959.6), dbSNP rs1471714869, ClinGen allele CA412201114.

ClinVar aggregate classification (germline): Uncertain significance. Review status: criteria provided, multiple submitters, no conflicts (2 of 4 stars). 2 submissions from 2 submitters: Uncertain significance (2). Last evaluated 2024-01-03.

Allele frequency attached by ClinVar (database versions not stated): gnomAD exomes 0.00001; TOPMed 0.00001.
gnomAD v4.1: 4 of 1,451,544 alleles (0.00028%); highest among the groups gnomAD compares: South Asian, 0.0045%; no homozygotes.

Submissions (2):

Ambry Genetics
Classification: Uncertain significance. Last evaluated: 2024-01-03. Review status: criteria provided, single submitter. Criteria: Ambry Variant Classification Scheme 2023. Collection method: clinical testing. Allele origin: germline.

Labcorp Genetics (formerly Invitae), Labcorp
Classification: Uncertain significance. Last evaluated: 2021-08-27. Review status: criteria provided, single submitter. Criteria: Invitae Variant Classification Sherloc (09022015). Collection method: clinical testing. Allele origin: germline.
Comment: This sequence change replaces arginine with glutamine at codon 1297 of the SBF1 protein (p.Arg1297Gln). The arginine residue is weakly conserved and there is a small physicochemical difference between arginine and glutamine. The frequency data for this variant in the population databases is considered unreliable, as metrics indicate insufficient coverage at this position in the ExAC database. This variant has not been reported in the literature in individuals affected with SBF1-related conditions. Algorithms developed to predict the effect of missense changes on protein structure and function (SIFT, PolyPhen-2, Align-GVGD) all suggest that this variant is likely to be tolerated. Algorithms developed to predict the effect of sequence changes on RNA splicing suggest that this variant may create or strengthen a splice site. In summary, the available evidence is currently insufficient to determine the role of this variant in disease. Therefore, it has been classified as a Variant of Uncertain Significance.